The following is an entry in ClinVar:

NM_000179.3(MSH6):c.3646+5G>A

Gene: MSH6 (mutS homolog 6; plus strand). Cytogenetic location: 2p16.3.
Variant type: single nucleotide variant.
Coding change: c.3646+5G>A on transcript NM_000179.3 (MANE Select); 5 bases into the intron after coding-DNA position 3646, G replaced by A.
Molecular consequence: intron variant.
Genome position (GRCh38, 1-based): chr2:47,805,712, G>A. VCF-style: chr2-47805712-G-A. GRCh37 (hg19) VCF-style: chr2-48032851-G-A.
Other names: c.2740+5G>A (NM_001281493.2, NM_001281494.2); c.3256+5G>A (NM_001281492.2).
Identifiers: ClinVar variation 1493576 (VCV001493576.10), dbSNP rs1669974239, ClinGen allele CA2573134754.

ClinVar aggregate classification (germline): Uncertain significance. Review status: criteria provided, multiple submitters, no conflicts (2 of 4 stars). 4 submissions from 4 submitters: Uncertain significance (4). Last evaluated 2024-11-07.

Conditions:
Hereditary nonpolyposis colorectal neoplasms. Identifiers: MedGen C0009405, MeSH D003123.
Hereditary cancer-predisposing syndrome. Also called: Tumor predisposition; Hereditary neoplastic syndrome; Neoplastic Syndromes, Hereditary; Hereditary Cancer Syndrome. Identifiers: Orphanet 140162, MedGen C0027672, MeSH D009386, MONDO:0015356.
Familial cancer of breast. Also called: BREAST CANCER, FAMILIAL; Hereditary breast cancer; hereditary breast carcinoma. Identifiers: Orphanet 227535, MedGen C0346153, MONDO:0016419, OMIM 114480. Disease mechanism: loss of function.

Submissions (4):

Molecular Diagnostics Laboratory, Catalan Institute of Oncology
Classification: Uncertain significance for Hereditary cancer-predisposing syndrome. Last evaluated: 2024-11-07. Review status: criteria provided, single submitter. Criteria: MMR VCEP Paper Draft V3.1. Collection method: clinical testing. Allele origin: germline.
Comment: PM2_Supporting MSH6:c.3646+5G>A is an intronic variant located close to a canonical splice site. It is not present in the population database gnomAD v2.1.1, non-cancer dataset (PM2_supporting). Although the prior_utah_splicing_reference predicts a moderate impact (score: 0.34) on splicing, the SpliceAI algorithm predicts no significant impact. To our knowledge, neither relevant clinical data nor well-established functional studies have been reported for this variant. This variant has not been reported in ClinVar database, LOVD or InSiGHT. Based on currently available information, the variant c.3646+5G>A should be considered an uncertain significance variant, according to MMR-specific InSIGHT Guidelines, Draft v3.1.

Department of Molecular Diagnostics, Institute of Oncology Ljubljana
Classification: Uncertain significance for Familial cancer of breast. Last evaluated: 2022-05-15. Review status: criteria provided, single submitter. Criteria: ACMG Guidelines, 2015. Collection method: clinical testing. Allele origin: germline. Affected: yes.
Comment: MSH6:c.3646+5G>A variant alters the native donor splice site of intron 7, causing an incomplete splicing aberration - an in-frame exon 7 skipping (PMID: 35806449). Therefore the variant was classified as variant of uncertain significance (ACMG/AMP: PM2, PP3, PM4)

Labcorp Genetics (formerly Invitae), Labcorp
Classification: Uncertain significance for Hereditary nonpolyposis colorectal neoplasms. Last evaluated: 2020-12-13. Review status: criteria provided, single submitter. Criteria: Invitae Variant Classification Sherloc (09022015). Collection method: clinical testing. Allele origin: germline.
Comment: In summary, the available evidence is currently insufficient to determine the role of this variant in disease. Therefore, it has been classified as a Variant of Uncertain Significance. Nucleotide substitutions within the consensus splice site are a relatively common cause of aberrant splicing (PMID: 17576681, 9536098). Algorithms developed to predict the effect of sequence changes on RNA splicing suggest that this variant may disrupt the consensus splice site, but this prediction has not been confirmed by published transcriptional studies. This variant has not been reported in the literature in individuals with MSH6-related conditions. This variant is not present in population databases (ExAC no frequency). This sequence change falls in intron 7 of the MSH6 gene. It does not directly change the encoded amino acid sequence of the MSH6 protein. It affects a nucleotide within the consensus splice site of the intron.

Ambry Genetics
Classification: Uncertain significance for Hereditary cancer-predisposing syndrome. Last evaluated: 2018-10-31. Review status: criteria provided, single submitter. Criteria: Ambry Variant Classification Scheme 2023. Collection method: clinical testing. Allele origin: germline.
Comment: The c.3646+5G>A intronic variant results from a G to A substitution 5 nucleotides after coding exon 7 in the MSH6 gene. This nucleotide position is highly conserved in available vertebrate species. Using the BDGP and ESEfinder splice site prediction tools, this alteration is predicted to weaken the efficiency of the native splice donor site; however, direct evidence is unavailable. Since supporting evidence is limited at this time, the clinical significance of this alteration remains unclear.

Literature cited by the submitters: PubMed 35806449 (cited by Department of Molecular Diagnostics, Institute of Oncology Ljubljana); PubMed 17576681 (cited by Labcorp Genetics (formerly Invitae), Labcorp); PubMed 9536098 (cited by Labcorp Genetics (formerly Invitae), Labcorp).